The following is an entry in ClinVar:

NM_030653.4(DDX11):c.1221C>A (p.Ser407Arg)

Gene: DDX11 (DEAD/H-box helicase 11; plus strand). Cytogenetic location: 12p11.21.
Variant type: single nucleotide variant.
Coding change: c.1221C>A on transcript NM_030653.4 (MANE Select); coding-DNA position 1221, C replaced by A.
Protein change: p.Ser407Arg; replaces serine 407 with arginine.
Molecular consequence: missense variant. On other transcripts: non-coding transcript variant (4).
Genome position (GRCh38, 1-based): chr12:31,091,850, C>A. VCF-style: chr12-31091850-C-A. GRCh37 (hg19) VCF-style: chr12-31244784-C-A.
Other names: c.1221C>A, p.Ser407Arg (NM_001257144.2, NM_001413692.1, NM_001413693.1 and 5 more transcripts); c.1143C>A, p.Ser381Arg (NM_001257145.2, NM_001413697.1, NM_001413698.1 and 1 more transcripts); c.1134C>A, p.Ser378Arg (NM_001413700.1); c.693C>A, p.Ser231Arg (NM_001413702.1, NM_001413703.1); c.360C>A, p.Ser120Arg (NM_001413704.1, NM_001413705.1); c.255C>A, p.Ser85Arg (NM_001413706.1); short protein forms S120R, S231R, S378R, S381R, S407R, S85R.
Identifiers: ClinVar variation 4535700 (VCV004535700.1).

ClinVar aggregate classification (germline): Uncertain significance (1 of 4 stars; one submission).

Submission:

Women's Health and Genetics/Laboratory Corporation of America, LabCorp
Classification: Uncertain significance. Last evaluated: 2025-09-05. Review status: criteria provided, single submitter. Criteria: LabCorp Variant Classification Summary - May 2015. Collection method: clinical testing. Allele origin: germline.
Comment: Variant summary: DDX11 c.1221C>A (p.Ser407Arg) results in a non-conservative amino acid change in the encoded protein sequence. Algorithms developed to predict the effect of missense changes on protein structure and function are either unavailable or do not agree on the potential impact of this missense change. The variant allele was found at a frequency of 4.4e-05 in 250156 control chromosomes. This frequency is not significantly higher than estimated for disease-causing variants in DDX11, allowing no conclusion about variant significance. c.1221C>A has been observed in individual(s) affected with Microcephaly (Ganapathy_2019). These report(s) do not provide unequivocal conclusions about association of the variant with Warsaw Breakage Syndrome. To our knowledge, no experimental evidence demonstrating an impact on protein function has been reported. The following publication have been ascertained in the context of this evaluation (PMID: 31069529). No submitters have cited clinical-significance assessments for this variant to ClinVar. Based on the evidence outlined above, the variant was classified as uncertain significance.

Literature cited by the submitters: PubMed 31069529.